The following is an entry in ClinVar:

NM_004438.5(EPHA4):c.806G>A (p.Arg269Gln)

Gene: EPHA4 (EPH receptor A4; minus strand). Cytogenetic location: 2q36.1.
Variant type: single nucleotide variant.
Coding change: c.806G>A on transcript NM_004438.5 (MANE Select); coding-DNA position 806, G replaced by A.
Protein change: p.Arg269Gln; replaces arginine 269 with glutamine.
Molecular consequence: missense variant.
Genome position (GRCh38, 1-based): chr2:221,563,748, C>T on the plus strand (G>A on the coding strand, the complement: EPHA4 is on the minus strand). VCF-style: chr2-221563748-C-T. GRCh37 (hg19) VCF-style: chr2-222428468-C-T.
Other names: c.806G>A, p.Arg269Gln (NM_001304536.2, NM_001363748.2); c.653G>A, p.Arg218Gln (NM_001304537.2); short protein forms R269Q, R218Q.
Identifiers: ClinVar variation 1896451 (VCV001896451.5), dbSNP rs35084379, ClinGen allele CA2135201.

ClinVar aggregate classification (germline): Uncertain significance (1 of 4 stars; one submission).

Allele frequency attached by ClinVar (database versions not stated): TOPMed below 0.00001; gnomAD exomes 0.00001; ExAC 0.00002.

Submission:

Labcorp Genetics (formerly Invitae), Labcorp
Classification: Uncertain significance. Last evaluated: 2024-11-11. Review status: criteria provided, single submitter. Criteria: Invitae Variant Classification Sherloc (09022015). Collection method: clinical testing. Allele origin: germline.
Comment: This sequence change replaces arginine, which is basic and polar, with glutamine, which is neutral and polar, at codon 269 of the EPHA4 protein (p.Arg269Gln). This variant is present in population databases (rs35084379, gnomAD 0.004%). This variant has not been reported in the literature in individuals affected with EPHA4-related conditions. ClinVar contains an entry for this variant (Variation ID: 1896451). An algorithm developed to predict the effect of missense changes on protein structure and function outputs the following: PolyPhen-2: "Benign". The glutamine amino acid residue is found in multiple mammalian species, which suggests that this missense change does not adversely affect protein function. In summary, the available evidence is currently insufficient to determine the role of this variant in disease. Therefore, it has been classified as a Variant of Uncertain Significance.